The following is an entry in ClinVar:

NM_024422.6(DSC2):c.631-1G>A

Gene: DSC2 (desmocollin 2; minus strand). Cytogenetic location: 18q12.1.
Variant type: single nucleotide variant.
Coding change: c.631-1G>A on transcript NM_024422.6 (MANE Select); the canonical splice acceptor site of the intron before coding-DNA position 631, G replaced by A.
Molecular consequence: splice acceptor variant.
Genome position (GRCh38, 1-based): chr18:31,087,814, C>T on the plus strand (G>A on the coding strand, the complement: DSC2 is on the minus strand). VCF-style: chr18-31087814-C-T. GRCh37 (hg19) VCF-style: chr18-28667777-C-T.
Other names: c.631-1G>A (NM_004949.5, NM_024422.3); c.202-1G>A (NM_001406506.1, NM_001406507.1).
Identifiers: ClinVar variation 2775190 (VCV002775190.3), dbSNP rs2510952587, ClinGen allele CA402113177.

ClinVar aggregate classification (germline): Conflicting classifications of pathogenicity. Review status: criteria provided, conflicting classifications (1 of 4 stars). 2 submissions from 2 submitters: Likely pathogenic (1); Uncertain significance (1). Last evaluated 2025-10-06.

Conditions:
Cardiovascular phenotype. Identifiers: MedGen CN230736.
Cardiomyopathy (CMYO). Also called: Cardiomyopathies. Identifiers: Orphanet 167848, MedGen C0878544, MONDO:0004994, HP:0001638. Inheritance: Various modes of inheritance.

Allele frequency attached by ClinVar (database versions not stated): gnomAD exomes below 0.00001.
gnomAD v4.1: 1 of 1,613,550 alleles (0.000062%); highest among the groups gnomAD compares: Non-Finnish European, 0.000085%; no homozygotes.

Submissions (2):

Ambry Genetics
Classification: Likely pathogenic for Cardiovascular phenotype. Last evaluated: 2025-10-06. Review status: criteria provided, single submitter. Criteria: Ambry Variant Classification Scheme 2023. Collection method: clinical testing. Allele origin: germline.
Comment: The c.631-1G>A intronic variant results from a G to A substitution one nucleotide before coding exon 6 of the DSC2 gene. This variant is considered to be rare based on population cohorts in the Genome Aggregation Database (gnomAD). This nucleotide position is highly conserved in available vertebrate species. In silico splice site analysis predicts that this alteration will weaken the native splice acceptor site and may result in the creation or strengthening of a novel splice acceptor site. Alterations that disrupt the canonical splice site are expected to cause aberrant splicing, resulting in an abnormal protein or a transcript that is subject to nonsense-mediated mRNA decay. As such, this alteration is classified as likely pathogenic.

Color Diagnostics, LLC DBA Color Health
Classification: Uncertain significance for Cardiomyopathy. Last evaluated: 2022-02-01. Review status: criteria provided, single submitter. Criteria: ACMG Guidelines, 2015. Collection method: clinical testing. Allele origin: germline.
Comment: This variant alters the canonical splice acceptor site in intron 5 of the DSC2 gene. Splice site prediction tools suggest that this variant may have a significant impact on RNA splicing. Although this prediction has not been confirmed in published RNA studies, this variant is expected to result in an absent or disrupted protein product. To our knowledge, this variant has not been reported in individuals affected with cardiovascular disorders in the literature. This variant has not been identified in the general population by the Genome Aggregation Database (gnomAD). Although there is a suspicion for a pathogenic role, clinical relevance of loss-of-function DSC2 truncation and splice variants in autosomal dominant arrhythmogenic cardiomyopathy is not yet clearly established. The available evidence is insufficient to determine the role of this variant in autosomal dominant arrhythmogenic cardiomyopathy conclusively. Therefore, this variant is classified as a Variant of Uncertain Significance.